The following is an entry in ClinVar:

ClinVar aggregate classification (germline): Uncertain significance. Review status: criteria provided, multiple submitters, no conflicts (2 of 4 stars). 2 submissions from 2 submitters: Uncertain significance (2). Last evaluated 2025-04-10.

Conditions:
Wilson-Turner syndrome (WTS). Also called: MENTAL RETARDATION, X-LINKED, SYNDROMIC 6; INTELLECTUAL DEVELOPMENTAL DISORDER, X-LINKED, SYNDROMIC, WILSON-TURNER TYPE. Identifiers: Orphanet 3459, MedGen C1839736, MONDO:0010665, OMIM 309585.

Submissions (2):

GeneDx
Classification: Uncertain significance. Last evaluated: 2025-04-10. Review status: criteria provided, single submitter. Criteria: GeneDx Variant Classification Process June 2021. Collection method: clinical testing. Allele origin: germline.
Comment: In silico analysis supports that this missense variant has a deleterious effect on protein structure/function; Has not been previously published as pathogenic or benign to our knowledge; Not observed at significant frequency in large population cohorts (gnomAD)

Baylor Genetics
Classification: Uncertain significance for Wilson-Turner syndrome. Last evaluated: 2023-05-04. Review status: criteria provided, single submitter. Criteria: ACMG Guidelines, 2015. Collection method: clinical testing. Allele origin: unknown.

NM_031206.7(LAS1L):c.2057A>G (p.Glu686Gly)

Gene: LAS1L (LAS1 like ribosome biogenesis factor; minus strand). Cytogenetic location: Xq12.
Variant type: single nucleotide variant.
Coding change: c.2057A>G on transcript NM_031206.7 (MANE Select); coding-DNA position 2057, A replaced by G.
Protein change: p.Glu686Gly; replaces glutamic acid 686 with glycine.
Molecular consequence: missense variant. On other transcripts: non-coding transcript variant (1).
Genome position (GRCh38, 1-based): chrX:65,514,844, T>C on the plus strand (A>G on the coding strand, the complement: LAS1L is on the minus strand). VCF-style: chrX-65514844-T-C. GRCh37 (hg19) VCF-style: chrX-64734724-T-C.
Other names: c.2006A>G, p.Glu669Gly (NM_001170649.2); c.1880A>G, p.Glu627Gly (NM_001170650.2); c.2054A>G, p.Glu685Gly (NM_001375328.1); c.1100A>G, p.Glu367Gly (NM_001375332.1); c.2003A>G, p.Glu668Gly (NM_001375333.1); c.2057A>G (NM_031206.4); short protein forms E367G, E627G, E668G, E669G, E685G, E686G.
Identifiers: ClinVar variation 2441728 (VCV002441728.5), dbSNP rs1040782199, ClinGen allele CA329963044.